The following is an entry in ClinVar:

NM_006031.6(PCNT):c.2741C>T (p.Ser914Leu)

Gene: PCNT (pericentrin; plus strand). Cytogenetic location: 21q22.3.
Variant type: single nucleotide variant.
Coding change: c.2741C>T on transcript NM_006031.6 (MANE Select); coding-DNA position 2741, C replaced by T.
Protein change: p.Ser914Leu; replaces serine 914 with leucine.
Molecular consequence: missense variant.
Genome position (GRCh38, 1-based): chr21:46,366,715, C>T. VCF-style: chr21-46366715-C-T. GRCh37 (hg19) VCF-style: chr21-47786630-C-T.
Other names: c.2387C>T, p.Ser796Leu (NM_001315529.2); short protein forms S796L, S914L.
Identifiers: ClinVar variation 4734164 (VCV004734164.1).

ClinVar aggregate classification (germline): Uncertain significance (1 of 4 stars; one submission).

gnomAD v4.1: 1 of 1,613,748 alleles (0.000062%); no homozygotes.

Submission:

Labcorp Genetics (formerly Invitae), Labcorp
Classification: Uncertain significance. Last evaluated: 2026-01-03. Review status: criteria provided, single submitter. Criteria: Invitae Variant Classification Sherloc (09022015). Collection method: clinical testing. Allele origin: germline.
Comment: This sequence change replaces serine, which is neutral and polar, with leucine, which is neutral and non-polar, at codon 914 of the PCNT protein (p.Ser914Leu). This variant is not present in population databases (gnomAD no frequency). This variant has not been reported in the literature in individuals affected with PCNT-related conditions. An algorithm developed to predict the effect of missense changes on protein structure and function (PolyPhen-2) suggests that this variant is likely to be disruptive. In summary, the available evidence is currently insufficient to determine the role of this variant in disease. Therefore, it has been classified as a Variant of Uncertain Significance.